The following is an entry in ClinVar:

NM_001080414.4(CCDC88C):c.3235C>G (p.Gln1079Glu)

Gene: CCDC88C (coiled-coil and HOOK domain protein 88C; minus strand). Cytogenetic location: 14q32.11.
Variant type: single nucleotide variant.
Coding change: c.3235C>G on transcript NM_001080414.4 (MANE Select); coding-DNA position 3235, C replaced by G.
Protein change: p.Gln1079Glu; replaces glutamine 1079 with glutamic acid.
Molecular consequence: missense variant. On other transcripts: non-coding transcript variant (2).
Genome position (GRCh38, 1-based): chr14:91,305,887, G>C on the plus strand (C>G on the coding strand, the complement: CCDC88C is on the minus strand). VCF-style: chr14-91305887-G-C. GRCh37 (hg19) VCF-style: chr14-91772231-G-C.
Other names: p.Gln1079Glu; short protein forms Q1079E.
Identifiers: ClinVar variation 4541899 (VCV004541899.1).
Genomic context (GRCh38, chr14:91,305,887, plus strand): 5'-TCTGCAGTGTCAAGATCTGGCTGCTGAAGGTCACGTTCTGGGTCTCCAGGTGCTGCAGCT[G>C]TTCCTTTAGCAGCTGCTTCTCAGCCTGCAGAGCTGCATTCTAGAAGATCGGGAGGCATGA-3'
Protein context (NP_001073883.2, residues 1069-1089): LQAEKQLLKE[Gln1079Glu]LQHLETQNVT

ClinVar aggregate classification (germline): Uncertain significance (1 of 4 stars; one submission).

gnomAD v4.1: 4 of 1,613,884 alleles (0.00025%); highest among the groups gnomAD compares: East Asian, 0.0022%; no homozygotes.

Submission:

Mayo Clinic Laboratories, Mayo Clinic
Classification: Uncertain significance. Last evaluated: 2025-01-31. Review status: criteria provided, single submitter. Criteria: ACMG Guidelines, 2015. Collection method: clinical testing. Allele origin: germline. Observed: 1 variant allele.
Comment: BP4